The following is an entry in ClinVar:

ClinVar aggregate classification (germline): Uncertain significance (1 of 4 stars; one submission).

Conditions:
Dilated cardiomyopathy 1DD (CMD1DD). Identifiers: Orphanet 154, MedGen C2750995, MONDO:0013168, OMIM 613172.

gnomAD v4.1: 2 of 1,551,792 alleles (0.00013%); highest among the groups gnomAD compares: Non-Finnish European, 0.00017%; no homozygotes.

Submission:

Labcorp Genetics (formerly Invitae), Labcorp
Classification: Uncertain significance for Dilated cardiomyopathy 1DD. Last evaluated: 2018-10-15. Review status: criteria provided, single submitter. Criteria: Invitae Variant Classification Sherloc (09022015). Collection method: clinical testing. Allele origin: germline.
Comment: This sequence change replaces arginine with proline at codon 392 of the RBM20 protein (p.Arg392Pro). The arginine residue is weakly conserved and there is a moderate physicochemical difference between arginine and proline. This variant is not present in population databases (ExAC no frequency). This variant has not been reported in the literature in individuals with RBM20-related disease. Algorithms developed to predict the effect of missense changes on protein structure and function are either unavailable or do not agree on the potential impact of this missense change (SIFT: "Not Available"; PolyPhen-2: "Benign"; Align-GVGD: "Class C0"). In summary, the available evidence is currently insufficient to determine the role of this variant in disease. Therefore, it has been classified as a Variant of Uncertain Significance.

NM_001134363.3(RBM20):c.1175G>C (p.Arg392Pro)

Gene: RBM20 (RNA binding motif protein 20; plus strand). Cytogenetic location: 10q25.2.
Variant type: single nucleotide variant.
Coding change: c.1175G>C on transcript NM_001134363.3 (MANE Select); coding-DNA position 1175, G replaced by C.
Protein change: p.Arg392Pro; replaces arginine 392 with proline.
Molecular consequence: missense variant.
Genome position (GRCh38, 1-based): chr10:110,781,784, G>C. VCF-style: chr10-110781784-G-C. GRCh37 (hg19) VCF-style: chr10-112541542-G-C.
Other names: short protein forms R392P.
Identifiers: ClinVar variation 653962 (VCV000653962.1), dbSNP rs751788298, ClinGen allele CA378385876.
Genomic context (GRCh38, chr10:110,781,784, plus strand): 5'-AACAGGGTTTTATCGGTGCTGGGCGGAGGGCCAAGGAGGACCAGGCGTTGCTATCTGTGC[G>C]GCCCCTGCAGGCTCATGAGCTGAACGACTTTCACGGTGTGGCCCCCCTCCACTTGCCGCA-3'
Protein context (NP_001127835.2, residues 382-402): AKEDQALLSV[Arg392Pro]PLQAHELNDF